The following is an entry in ClinVar:

ClinVar aggregate classification (germline): Uncertain significance (1 of 4 stars; one submission).

Submission:

Labcorp Genetics (formerly Invitae), Labcorp
Classification: Uncertain significance. Last evaluated: 2024-08-17. Review status: criteria provided, single submitter. Criteria: Invitae Variant Classification Sherloc (09022015). Collection method: clinical testing. Allele origin: germline.
Comment: This sequence change replaces glutamine, which is neutral and polar, with histidine, which is basic and polar, at codon 1153 of the POLE protein (p.Gln1153His). This variant also falls at the last nucleotide of exon 28, which is part of the consensus splice site for this exon. This variant is not present in population databases (gnomAD no frequency). This variant has not been reported in the literature in individuals affected with POLE-related conditions. An algorithm developed to predict the effect of missense changes on protein structure and function (PolyPhen-2) suggests that this variant is likely to be disruptive. Variants that disrupt the consensus splice site are a relatively common cause of aberrant splicing (PMID: 17576681, 9536098). In summary, the available evidence is currently insufficient to determine the role of this variant in disease. Therefore, it has been classified as a Variant of Uncertain Significance.

Literature cited by the submitters: PubMed 17576681; PubMed 9536098.

NM_006231.4(POLE):c.3459G>C (p.Gln1153His)

Gene: POLE (DNA polymerase epsilon, catalytic subunit; minus strand). Cytogenetic location: 12q24.33.
Variant type: single nucleotide variant.
Coding change: c.3459G>C on transcript NM_006231.4 (MANE Select); coding-DNA position 3459, G replaced by C.
Protein change: p.Gln1153His; replaces glutamine 1153 with histidine.
Molecular consequence: missense variant.
Genome position (GRCh38, 1-based): chr12:132,657,349, C>G on the plus strand (G>C on the coding strand, the complement: POLE is on the minus strand). VCF-style: chr12-132657349-C-G. GRCh37 (hg19) VCF-style: chr12-133233935-C-G.
Other names: short protein forms Q1153H.
Identifiers: ClinVar variation 3001616 (VCV003001616.3), dbSNP rs1060500818, ClinGen allele CA387388927.